The following is an entry in ClinVar:

NM_020831.6(MRTFA):c.2534G>A (p.Ser845Asn)

Gene: MRTFA (myocardin related transcription factor A; minus strand). Cytogenetic location: 22q13.1.
Variant type: single nucleotide variant.
Coding change: c.2534G>A on transcript NM_020831.6 (MANE Select); coding-DNA position 2534, G replaced by A.
Protein change: p.Ser845Asn; replaces serine 845 with asparagine.
Molecular consequence: missense variant.
Genome position (GRCh38, 1-based): chr22:40,417,030, C>T on the plus strand (G>A on the coding strand, the complement: MRTFA is on the minus strand). VCF-style: chr22-40417030-C-T. GRCh37 (hg19) VCF-style: chr22-40813034-C-T.
Other names: c.2234G>A, p.Ser745Asn (NM_001282660.2); c.2384G>A, p.Ser795Asn (NM_001282661.3); c.2534G>A, p.Ser845Asn (NM_001282662.3); c.2339G>A, p.Ser780Asn (NM_001318139.2); short protein forms S745N, S795N, S780N, S845N.
Identifiers: ClinVar variation 2079024 (VCV002079024.4), dbSNP rs2052694822, ClinGen allele CA411655552.

ClinVar aggregate classification (germline): Uncertain significance (1 of 4 stars; one submission).

Allele frequency attached by ClinVar (database versions not stated): TOPMed below 0.00001.
gnomAD v4.1: 2 of 1,595,516 alleles (0.00013%); highest among the groups gnomAD compares: Non-Finnish European, 0.00017%; no homozygotes.

Submission:

Labcorp Genetics (formerly Invitae), Labcorp
Classification: Uncertain significance. Last evaluated: 2025-08-21. Review status: criteria provided, single submitter. Criteria: Invitae Variant Classification Sherloc (09022015). Collection method: clinical testing. Allele origin: germline.
Comment: This sequence change replaces serine, which is neutral and polar, with asparagine, which is neutral and polar, at codon 745 of the MKL1 protein (p.Ser745Asn). This variant is not present in population databases (gnomAD no frequency). This variant has not been reported in the literature in individuals affected with MKL1-related conditions. ClinVar contains an entry for this variant (Variation ID: 2079024). An algorithm developed to predict the effect of missense changes on protein structure and function (PolyPhen-2) suggests that this variant is likely to be disruptive. In summary, the available evidence is currently insufficient to determine the role of this variant in disease. Therefore, it has been classified as a Variant of Uncertain Significance.